The following is an entry in ClinVar:

NM_014014.5(SNRNP200):c.381+3G>T

Gene: SNRNP200 (small nuclear ribonucleoprotein U5 subunit 200; minus strand). Cytogenetic location: 2q11.2.
Variant type: single nucleotide variant.
Coding change: c.381+3G>T on transcript NM_014014.5 (MANE Select); 3 bases into the intron after coding-DNA position 381, G replaced by T.
Molecular consequence: intron variant.
Genome position (GRCh38, 1-based): chr2:96,303,156, C>A on the plus strand (G>T on the coding strand, the complement: SNRNP200 is on the minus strand). VCF-style: chr2-96303156-C-A. GRCh37 (hg19) VCF-style: chr2-96968894-C-A.
Identifiers: ClinVar variation 1524573 (VCV001524573.6), dbSNP rs2063964017, ClinGen allele CA1272547724.

ClinVar aggregate classification (germline): Uncertain significance (1 of 4 stars; one submission).

Allele frequency attached by ClinVar (database versions not stated): TOPMed below 0.00001.

Submission:

Labcorp Genetics (formerly Invitae), Labcorp
Classification: Uncertain significance. Last evaluated: 2022-07-19. Review status: criteria provided, single submitter. Criteria: Invitae Variant Classification Sherloc (09022015). Collection method: clinical testing. Allele origin: germline.
Comment: In summary, the available evidence is currently insufficient to determine the role of this variant in disease. Therefore, it has been classified as a Variant of Uncertain Significance. Variants that disrupt the consensus splice site are a relatively common cause of aberrant splicing (PMID: 17576681, 9536098). Algorithms developed to predict the effect of sequence changes on RNA splicing suggest that this variant is not likely to affect RNA splicing. ClinVar contains an entry for this variant (Variation ID: 1524573). This variant has not been reported in the literature in individuals affected with SNRNP200-related conditions. This variant is not present in population databases (gnomAD no frequency). This sequence change falls in intron 3 of the SNRNP200 gene. It does not directly change the encoded amino acid sequence of the SNRNP200 protein. It affects a nucleotide within the consensus splice site.

Literature cited by the submitters: PubMed 17576681; PubMed 9536098.